The following is an entry in ClinVar:

ClinVar aggregate classification (germline): Uncertain significance. Review status: criteria provided, multiple submitters, no conflicts (2 of 4 stars). 2 submissions from 2 submitters: Uncertain significance (2). Last evaluated 2026-01-25.

Conditions:
Neurodevelopmental disorder with visual defects and brain anomalies. Identifiers: MedGen C5231404, MONDO:0032807, OMIM 618547.

Allele frequency attached by ClinVar (database versions not stated): gnomAD exomes 0.00001 and 0.00002; TOPMed below 0.00001; gnomAD 0.00001; ExAC 0.00002.
gnomAD v4.1: 31 of 1,613,304 alleles (0.0019%); highest among the groups gnomAD compares: Admixed American, 0.005%; no homozygotes.

Submissions (2):

Dasa
Classification: Uncertain significance for Neurodevelopmental disorder with visual defects and brain anomalies. Last evaluated: 2026-01-25. Review status: criteria provided, single submitter. Criteria: DASA Assertion Criteria. Collection method: clinical testing. Allele origin: germline.
Comment: NM_000188.3(HK1):c.1513A>G (p.Asn505Asp) is a missense variant that results in the substitution of asparagine with aspartic acid. This variant is rare in population databases. The currently available literature and clinical evidence are not sufficient to establish a definitive association between this variant and the reported condition. Therefore, this variant is classified as a variant of uncertain significance.

Labcorp Genetics (formerly Invitae), Labcorp
Classification: Uncertain significance. Last evaluated: 2025-01-06. Review status: criteria provided, single submitter. Criteria: Invitae Variant Classification Sherloc (09022015). Collection method: clinical testing. Allele origin: germline.
Comment: This sequence change replaces asparagine, which is neutral and polar, with aspartic acid, which is acidic and polar, at codon 505 of the HK1 protein (p.Asn505Asp). This variant is present in population databases (rs777214992, gnomAD 0.003%). This variant has not been reported in the literature in individuals affected with HK1-related conditions. ClinVar contains an entry for this variant (Variation ID: 1346053). Invitae Evidence Modeling of protein sequence and biophysical properties (such as structural, functional, and spatial information, amino acid conservation, physicochemical variation, residue mobility, and thermodynamic stability) indicates that this missense variant is not expected to disrupt HK1 protein function with a negative predictive value of 80%. In summary, the available evidence is currently insufficient to determine the role of this variant in disease. Therefore, it has been classified as a Variant of Uncertain Significance.

NM_000188.3(HK1):c.1513A>G (p.Asn505Asp)

Gene: HK1 (hexokinase 1; plus strand). Cytogenetic location: 10q22.1.
Variant type: single nucleotide variant.
Coding change: c.1513A>G on transcript NM_000188.3 (MANE Select); coding-DNA position 1513, A replaced by G.
Protein change: p.Asn505Asp; replaces asparagine 505 with aspartic acid.
Molecular consequence: missense variant.
Genome position (GRCh38, 1-based): chr10:69,382,734, A>G. VCF-style: chr10-69382734-A-G. GRCh37 (hg19) VCF-style: chr10-71142490-A-G.
Other names: c.1525A>G, p.Asn509Asp (NM_001322364.2, NM_001358263.1, NM_033497.3 and 1 more transcripts); c.1618A>G, p.Asn540Asp (NM_001322365.2); c.1429A>G, p.Asn477Asp (NM_001322366.1); c.1417A>G, p.Asn473Asp (NM_001322367.1); c.1510A>G, p.Asn504Asp (NM_033496.3); c.1477A>G, p.Asn493Asp (NM_033500.2); short protein forms N493D, N504D, N540D, N473D, N509D, N505D, N477D.
Identifiers: ClinVar variation 1346053 (VCV001346053.8), dbSNP rs777214992, ClinGen allele CA5532613.